The following is an entry in ClinVar:

NM_024809.5(TCTN2):c.1099+6del

Gene: TCTN2 (tectonic family member 2; plus strand). Cytogenetic location: 12q24.31.
Variant type: Deletion.
Coding change: c.1099+6del on transcript NM_024809.5 (MANE Select); 6 bases into the intron after coding-DNA position 1099, one base deleted (T; older notation c.1099+6delT).
Molecular consequence: intron variant.
Genome position (GRCh38, 1-based): chr12:123,692,729, T deleted; the last of 3 consecutive T bases (chr12:123,692,727-123,692,729); deleting any one gives the same sequence. VCF-style (leftmost placement, unchanged base first): chr12-123692726-AT-A. GRCh37 (hg19) VCF-style: chr12-124177273-AT-A.
Other names: c.1096+6del (NM_001143850.3).
Identifiers: ClinVar variation 1501584 (VCV001501584.6), dbSNP rs2135843158, ClinGen allele CA2573148063.
Genomic context (GRCh38, chr12:123,692,726, plus strand): 5'-ACACCAAAAGTGATCTATGAGGAAGCAACTGACCTAGACAAATTCATCACCAATACAGGT[AT>A]TTAATGTTACACTTTGACGTCATTTCTTCAGAAACAGATATGTCATTTCTTACAAGTAAT-3'

ClinVar aggregate classification (germline): Uncertain significance (1 of 4 stars; one submission).

Conditions:
Meckel-Gruber syndrome. Also called: DYSENCEPHALIA SPLANCHNOCYSTICA; GRUBER SYNDROME; Dysencephalia splachnocystica. Identifiers: Orphanet 564, MedGen C0265215, MONDO:0018921.
Joubert syndrome. Also called: CEREBELLOPARENCHYMAL DISORDER IV; JOUBERT-BOLTSHAUSER SYNDROME; Familial aplasia of the vermis. Identifiers: Orphanet 475, MedGen C5979921, MONDO:0018772.

Submission:

Labcorp Genetics (formerly Invitae), Labcorp
Classification: Uncertain significance for Joubert syndrome; Meckel-Gruber syndrome. Last evaluated: 2021-01-12. Review status: criteria provided, single submitter. Criteria: Invitae Variant Classification Sherloc (09022015). Collection method: clinical testing. Allele origin: germline.
Comment: This variant is not present in population databases (ExAC no frequency). This sequence change falls in intron 9 of the TCTN2 gene. It does not directly change the encoded amino acid sequence of the TCTN2 protein. It affects a nucleotide within the consensus splice site of the intron. This variant has not been reported in the literature in individuals with TCTN2-related conditions. In summary, the available evidence is currently insufficient to determine the role of this variant in disease. Therefore, it has been classified as a Variant of Uncertain Significance. Nucleotide substitutions within the consensus splice site are a relatively common cause of aberrant splicing (PMID: 17576681, 9536098). Algorithms developed to predict the effect of sequence changes on RNA splicing suggest that this variant is not likely to affect RNA splicing, but this prediction has not been confirmed by published transcriptional studies.

Literature cited by the submitters: PubMed 17576681; PubMed 9536098.